The following is an entry in ClinVar:

NM_000053.4(ATP7B):c.2708T>G (p.Val903Gly)

Gene: ATP7B (ATPase copper transporting beta; minus strand). Cytogenetic location: 13q14.3.
Variant type: single nucleotide variant.
Coding change: c.2708T>G on transcript NM_000053.4 (MANE Select); coding-DNA position 2708, T replaced by G.
Protein change: p.Val903Gly; replaces valine 903 with glycine.
Molecular consequence: missense variant.
Genome position (GRCh38, 1-based): chr13:51,950,029, A>C on the plus strand (T>G on the coding strand, the complement: ATP7B is on the minus strand). VCF-style: chr13-51950029-A-C. GRCh37 (hg19) VCF-style: chr13-52524165-A-C.
Other names: c.2375T>G, p.Val792Gly (NM_001243182.2); c.2474T>G, p.Val825Gly (NM_001330578.2); c.2456T>G, p.Val819Gly (NM_001330579.2); c.2222T>G, p.Val741Gly (NM_001005918.3); short protein forms V741G, V903G, V819G, V792G, V825G.
Identifiers: ClinVar variation 617985 (VCV000617985.8), dbSNP rs1566500467, ClinGen allele CA388034179.

ClinVar aggregate classification (germline): Uncertain significance (1 of 4 stars; one submission).

Submission:

ARUP Laboratories, Molecular Genetics and Genomics, ARUP Laboratories
Classification: Uncertain significance. Last evaluated: 2018-06-11. Review status: criteria provided, single submitter. Criteria: ARUP Molecular Germline Variant Investigation Process. Collection method: clinical testing. Allele origin: germline.
Comment: The ATP7B c.2708T>G: p.Val903Gly variant, to our knowledge, has not been described in the medical literature or in gene-specific databases. The variant is not listed in the ClinVar database and is also absent from general population databases (1000 Genomes Project, Exome Variant Server, and Genome Aggregation Database), indicating it is not a common polymorphism. The valine at this position is highly conserved across species and computational algorithms (PolyPhen-2, SIFT) predicts this variant is deleterious. Considering available information, there is insufficient evidence to classify this variant with certainty.